The following is an entry in ClinVar:

NM_000516.7(GNAS):c.878A>C (p.Lys293Thr)

Gene: GNAS (GNAS complex locus; plus strand). Cytogenetic location: 20q13.32.
Variant type: single nucleotide variant.
Coding change: c.878A>C on transcript NM_000516.7 (MANE Select); coding-DNA position 878, A replaced by C.
Protein change: p.Lys293Thr; replaces lysine 293 with threonine.
Molecular consequence: missense variant. On other transcripts: 3 prime UTR variant (2).
Genome position (GRCh38, 1-based): chr20:58,909,989, A>C. VCF-style: chr20-58909989-A-C. GRCh37 (hg19) VCF-style: chr20-57485044-A-C.
Other names: c.881A>C, p.Lys294Thr (NM_001077488.5); c.833A>C, p.Lys278Thr (NM_001077489.4); c.*739A>C (NM_001077490.3); c.701A>C, p.Lys234Thr (NM_001309840.2, NM_001309861.2); c.782A>C, p.Lys261Thr (NM_001410912.1); c.2762A>C, p.Lys921Thr (NM_001410913.1); c.*784A>C (NM_016592.5); c.2807A>C, p.Lys936Thr (NM_080425.4); and 1 more; short protein forms K234T, K261T, K294T, K293T, K278T, K279T, K921T, K936T.
Identifiers: ClinVar variation 3641344 (VCV003641344.2).

ClinVar aggregate classification (germline): Pathogenic (1 of 4 stars; one submission).

Submission:

Labcorp Genetics (formerly Invitae), Labcorp
Classification: Pathogenic. Last evaluated: 2024-02-16. Review status: criteria provided, single submitter. Criteria: Invitae Variant Classification Sherloc (09022015). Collection method: clinical testing. Allele origin: germline.
Comment: This sequence change replaces lysine, which is basic and polar, with threonine, which is neutral and polar, at codon 293 of the GNAS protein (p.Lys293Thr). This variant is not present in population databases (gnomAD no frequency). This missense change has been observed in individual(s) with clinical features of GNAS-related conditions (Invitae). In at least one individual the variant was observed to be de novo. Advanced modeling of protein sequence and biophysical properties (such as structural, functional, and spatial information, amino acid conservation, physicochemical variation, residue mobility, and thermodynamic stability) performed at Invitae indicates that this missense variant is expected to disrupt GNAS protein function with a positive predictive value of 80%. For these reasons, this variant has been classified as Pathogenic.